The following is an entry in ClinVar:

NM_017947.4(MOCOS):c.2183T>G (p.Met728Arg)

Gene: MOCOS (molybdenum cofactor sulfurase; plus strand). Cytogenetic location: 18q12.2.
Variant type: single nucleotide variant.
Coding change: c.2183T>G on transcript NM_017947.4 (MANE Select); coding-DNA position 2183, T replaced by G.
Protein change: p.Met728Arg; replaces methionine 728 with arginine.
Molecular consequence: missense variant.
Genome position (GRCh38, 1-based): chr18:36,256,986, T>G. VCF-style: chr18-36256986-T-G. GRCh37 (hg19) VCF-style: chr18-33836949-T-G.
Other names: short protein forms M728R.
Identifiers: ClinVar variation 3583324 (VCV003583324.3).

ClinVar aggregate classification (germline): Uncertain significance. Review status: criteria provided, multiple submitters, no conflicts (2 of 4 stars). 2 submissions from 2 submitters: Uncertain significance (2). Last evaluated 2025-01-30.

Conditions:
Xanthinuria type II. Also called: Xanthine dehydrogenase and aldehyde oxidase combined deficiency of; XDH and AOX dual deficiency. Identifiers: Orphanet 3467, Orphanet 93602, MedGen C1863688, MONDO:0011346, OMIM 603592.

gnomAD v4.1: 2 of 1,614,126 alleles (0.00012%); no homozygotes.

Submissions (2):

Labcorp Genetics (formerly Invitae), Labcorp
Classification: Uncertain significance for Xanthinuria type II. Last evaluated: 2025-01-30. Review status: criteria provided, single submitter. Criteria: Invitae Variant Classification Sherloc (09022015). Collection method: clinical testing. Allele origin: germline.
Comment: This sequence change replaces methionine, which is neutral and non-polar, with arginine, which is basic and polar, at codon 728 of the MOCOS protein (p.Met728Arg). This variant is not present in population databases (gnomAD no frequency). This variant has not been reported in the literature in individuals affected with MOCOS-related conditions. Invitae Evidence Modeling of protein sequence and biophysical properties (such as structural, functional, and spatial information, amino acid conservation, physicochemical variation, residue mobility, and thermodynamic stability) indicates that this missense variant is not expected to disrupt MOCOS protein function with a negative predictive value of 80%. In summary, the available evidence is currently insufficient to determine the role of this variant in disease. Therefore, it has been classified as a Variant of Uncertain Significance.

Fulgent Genetics
Classification: Uncertain significance for Xanthinuria type II. Last evaluated: 2024-05-30. Review status: criteria provided, single submitter. Criteria: ACMG Guidelines, 2015. Collection method: clinical testing. Allele origin: germline.